The following is an entry in ClinVar:

ClinVar aggregate classification (germline): Uncertain significance (1 of 4 stars; one submission).

Allele frequency attached by ClinVar (database versions not stated): gnomAD exomes below 0.00001; gnomAD 0.00001.
gnomAD v4.1: 3 of 1,613,452 alleles (0.00019%); highest among the groups gnomAD compares: East Asian, 0.0022%; no homozygotes.

Submission:

Labcorp Genetics (formerly Invitae), Labcorp
Classification: Uncertain significance. Last evaluated: 2020-01-15. Review status: criteria provided, single submitter. Criteria: Invitae Variant Classification Sherloc (09022015). Collection method: clinical testing. Allele origin: germline.
Comment: Algorithms developed to predict the effect of missense changes on protein structure and function output the following: SIFT: "Tolerated"; PolyPhen-2: "Benign"; Align-GVGD: "Class C0". The valine amino acid residue is found in multiple mammalian species, suggesting that this missense change does not adversely affect protein function. These predictions have not been confirmed by published functional studies and their clinical significance is uncertain. This variant has not been reported in the literature in individuals with ADGRV1-related conditions. This variant is not present in population databases (ExAC no frequency). This sequence change replaces isoleucine with valine at codon 1410 of the ADGRV1 protein (p.Ile1410Val). The isoleucine residue is moderately conserved and there is a small physicochemical difference between isoleucine and valine. In summary, the available evidence is currently insufficient to determine the role of this variant in disease. Therefore, it has been classified as a Variant of Uncertain Significance.

NM_032119.4(ADGRV1):c.4228A>G (p.Ile1410Val)

Gene: ADGRV1 (adhesion G protein-coupled receptor V1; plus strand). Cytogenetic location: 5q14.3.
Variant type: single nucleotide variant.
Coding change: c.4228A>G on transcript NM_032119.4 (MANE Select); coding-DNA position 4228, A replaced by G.
Protein change: p.Ile1410Val; replaces isoleucine 1410 with valine.
Molecular consequence: missense variant. On other transcripts: non-coding transcript variant (1).
Genome position (GRCh38, 1-based): chr5:90,653,802, A>G. VCF-style: chr5-90653802-A-G. GRCh37 (hg19) VCF-style: chr5-89949619-A-G.
Other names: short protein forms I1410V.
Identifiers: ClinVar variation 1019480 (VCV001019480.9), dbSNP rs1179464024, ClinGen allele CA360401931.